The following is an entry in ClinVar:

ClinVar aggregate classification (germline): Likely benign. Review status: criteria provided, multiple submitters, no conflicts (2 of 4 stars). 3 submissions from 3 submitters: Likely benign (3). Last evaluated 2025-07-17.

Conditions:
Charcot-Marie-Tooth disease dominant intermediate E. Also called: CHARCOT-MARIE-TOOTH NEUROPATHY WITH FOCAL SEGMENTAL GLOMERULONEPHRITIS. Identifiers: Orphanet 93114, MedGen C4302667, MONDO:0013758, OMIM 614455.
Focal segmental glomerulosclerosis 5 (FSGS5). Identifiers: Orphanet 656, MedGen C2750475, MONDO:0013191, OMIM 613237.

Allele frequency attached by ClinVar (database versions not stated): gnomAD 0.00002; TOPMed 0.00003; gnomAD exomes 0.00007; ExAC 0.00009.
gnomAD v4.1: 21 of 1,520,436 alleles (0.0014%); highest among the groups gnomAD compares: East Asian, 0.029%; no homozygotes.

Submissions (3):

Mayo Clinic Laboratories, Mayo Clinic
Classification: Likely benign. Last evaluated: 2025-07-17. Review status: criteria provided, single submitter. Criteria: ACMG Guidelines, 2015. Collection method: clinical testing. Allele origin: germline. Observed: 1 variant allele.
Comment: BP4, BP7

Labcorp Genetics (formerly Invitae), Labcorp
Classification: Likely benign for Charcot-Marie-Tooth disease dominant intermediate E; Focal segmental glomerulosclerosis 5. Last evaluated: 2024-03-28. Review status: criteria provided, single submitter. Criteria: Invitae Variant Classification Sherloc (09022015). Collection method: clinical testing. Allele origin: germline.

Fulgent Genetics
Classification: Likely benign for Focal segmental glomerulosclerosis 5; Charcot-Marie-Tooth disease dominant intermediate E. Last evaluated: 2021-10-01. Review status: criteria provided, single submitter. Criteria: ACMG Guidelines, 2015. Collection method: clinical testing. Allele origin: unknown.

NM_022489.4(INF2):c.372C>T (p.Tyr124=)

Gene: INF2 (inverted formin 2; plus strand). Cytogenetic location: 14q32.33.
Variant type: single nucleotide variant.
Coding change: c.372C>T on transcript NM_022489.4 (MANE Select); coding-DNA position 372, C replaced by T.
Protein change: p.Tyr124=; no amino-acid change (tyrosine 124 retained).
Molecular consequence: synonymous variant.
Genome position (GRCh38, 1-based): chr14:104,701,737, C>T. VCF-style: chr14-104701737-C-T. GRCh37 (hg19) VCF-style: chr14-105168074-C-T.
Other names: p.Tyr124=; c.372C>T, p.Tyr124= (NM_001031714.4, NM_032714.3).
Identifiers: ClinVar variation 1563974 (VCV001563974.10), dbSNP rs368077298, ClinGen allele CA7372272.